The following is an entry in ClinVar:

NM_005219.5(DIAPH1):c.1484G>A (p.Arg495Gln)

Gene: DIAPH1 (diaphanous related formin 1; minus strand). Cytogenetic location: 5q31.3.
Variant type: single nucleotide variant.
Coding change: c.1484G>A on transcript NM_005219.5 (MANE Select); coding-DNA position 1484, G replaced by A.
Protein change: p.Arg495Gln; replaces arginine 495 with glutamine.
Molecular consequence: missense variant.
Genome position (GRCh38, 1-based): chr5:141,575,124, C>T on the plus strand (G>A on the coding strand, the complement: DIAPH1 is on the minus strand). VCF-style: chr5-141575124-C-T. GRCh37 (hg19) VCF-style: chr5-140954691-C-T.
Other names: c.1457G>A, p.Arg486Gln (NM_001079812.3); c.1484G>A, p.Arg495Gln (NM_001314007.2); short protein forms R495Q, R486Q.
Identifiers: ClinVar variation 3501774 (VCV003501774.2).
Genomic context (GRCh38, chr5:141,575,124, plus strand): 5'-TCTTGAAGCTTCTGCTCAAAGTCACTTTCCATCTTTTTCATTTCCACCTGTAGCTCATGT[C>T]GGGCTGTTAACTCTGAGTCCAACTAGAGAAAAAACGAATCAGGCTCCCAGCAAGCTCTCC-3'
Protein context (NP_005210.3, residues 485-505): EKKLDSELTA[Arg495Gln]HELQVEMKKM

ClinVar aggregate classification (germline): Uncertain significance. Review status: criteria provided, multiple submitters, no conflicts (2 of 4 stars). 2 submissions from 2 submitters: Uncertain significance (2). Last evaluated 2025-04-18.

Conditions:
Inborn genetic diseases. Identifiers: MedGen C0950123, MeSH D030342.
Autosomal dominant nonsyndromic hearing loss 1. Also called: KONIGSMARK SYNDROME; DEAFNESS, AUTOSOMAL DOMINANT 1, WITH OR WITHOUT THROMBOCYTOPENIA. Identifiers: Orphanet 90635, MedGen C1852282, MONDO:0007424, OMIM 124900.
Progressive microcephaly-seizures-cortical blindness-developmental delay syndrome. Also called: Seizures, cortical blindness, and microcephaly syndrome. Identifiers: Orphanet 477814, MedGen C5567650, MONDO:0014714, OMIM 616632.

Submissions (2):

Labcorp Genetics (formerly Invitae), Labcorp
Classification: Uncertain significance for Progressive microcephaly-seizures-cortical blindness-developmental delay syndrome; Autosomal dominant nonsyndromic hearing loss 1. Last evaluated: 2025-04-18. Review status: criteria provided, single submitter. Criteria: Invitae Variant Classification Sherloc (09022015). Collection method: clinical testing. Allele origin: germline.
Comment: This sequence change replaces arginine, which is basic and polar, with glutamine, which is neutral and polar, at codon 495 of the DIAPH1 protein (p.Arg495Gln). This variant is not present in population databases (gnomAD no frequency). This variant has not been reported in the literature in individuals affected with DIAPH1-related conditions. ClinVar contains an entry for this variant (Variation ID: 3501774). Experimental studies and prediction algorithms are not available or were not evaluated, and the functional significance of this variant is currently unknown. In summary, the available evidence is currently insufficient to determine the role of this variant in disease. Therefore, it has been classified as a Variant of Uncertain Significance.

Ambry Genetics
Classification: Uncertain significance for Inborn genetic diseases. Last evaluated: 2024-08-14. Review status: criteria provided, single submitter. Criteria: Ambry Variant Classification Scheme 2023. Collection method: clinical testing. Allele origin: germline.